The following is an entry in ClinVar:

NM_006514.4(SCN10A):c.4573A>G (p.Met1525Val)

Gene: SCN10A (sodium voltage-gated channel alpha subunit 10; minus strand). Cytogenetic location: 3p22.2.
Variant type: single nucleotide variant.
Coding change: c.4573A>G on transcript NM_006514.4 (MANE Select); coding-DNA position 4573, A replaced by G.
Protein change: p.Met1525Val; replaces methionine 1525 with valine.
Molecular consequence: missense variant.
Genome position (GRCh38, 1-based): chr3:38,701,923, T>C on the plus strand (A>G on the coding strand, the complement: SCN10A is on the minus strand). VCF-style: chr3-38701923-T-C. GRCh37 (hg19) VCF-style: chr3-38743414-T-C.
Other names: c.4570A>G, p.Met1524Val (NM_001293306.2); c.4279A>G, p.Met1427Val (NM_001293307.2); short protein forms M1524V, M1427V, M1525V.
Identifiers: ClinVar variation 657664 (VCV000657664.12), dbSNP rs373085099, ClinGen allele CA2319869.
Genomic context (GRCh38, chr3:38,701,923, plus strand): 5'-TGAAGTCAAACACATTCCAGCCATTTGTGAAGTAGTACTGCCTCAAAGCGAACATCTTCA[T>C]GACACATTCGCCTGTGAAGACGGCCACAAAGAACTGGTTGATTTTGCCCAGAATTTTCGT-3'
Protein context (NP_006505.4, residues 1515-1535): FVAVFTGECV[Met1525Val]KMFALRQYYF

ClinVar aggregate classification (germline): Uncertain significance. Review status: criteria provided, multiple submitters, no conflicts (2 of 4 stars). 5 submissions from 5 submitters: Uncertain significance (5). Last evaluated 2026-08-25.

Conditions:
SCN10A-related disorder. Also called: SCN10A-related condition.
Brugada syndrome. Also called: Sudden unexplained nocturnal death syndrome; Sudden unexpected nocturnal death syndrome; Sudden Unexplained Death Syndrome; Sudden Unexplained Nocturnal Death Syndrome (SUNDS). Identifiers: Orphanet 130, MedGen C1142166, MONDO:0015263.
Cardiovascular phenotype. Identifiers: MedGen CN230736.

Allele frequency attached by ClinVar (database versions not stated): TOPMed 0.00001; ExAC 0.00002; gnomAD 0.00002 and 0.00003; gnomAD exomes 0.00002 and 0.00003; ESP Exome Variant Server 0.00008.

Submissions (5):

PreventionGenetics, part of Exact Sciences
Classification: Uncertain significance for SCN10A-related condition. Last evaluated: 2026-08-25. Review status: criteria provided, single submitter. Criteria: ACMG Guidelines, 2015. Collection method: clinical testing. Allele origin: germline.
Comment: The SCN10A c.4573A>G variant is predicted to result in the amino acid substitution p.Met1525Val. To our knowledge, this variant has not been reported in the literature. This variant is reported in 0.0035% of alleles in individuals of European (non-Finnish) descent in gnomAD. At this time, the clinical significance of this variant is uncertain due to the absence of conclusive functional and genetic evidence.

CeGaT Center for Human Genetics Tuebingen
Classification: Uncertain significance. Last evaluated: 2026-08-01. Review status: criteria provided, single submitter. Criteria: CeGaT Center For Human Genetics Tuebingen Variant Classification Criteria Version 2. Collection method: clinical testing. Allele origin: germline. Affected: yes. Observed: 1 variant allele.

Labcorp Genetics (formerly Invitae), Labcorp
Classification: Uncertain significance for Brugada syndrome. Last evaluated: 2026-02-01. Review status: criteria provided, single submitter. Criteria: Invitae Variant Classification Sherloc (09022015). Collection method: clinical testing. Allele origin: germline.
Comment: This sequence change replaces methionine, which is neutral and non-polar, with valine, which is neutral and non-polar, at codon 1525 of the SCN10A protein (p.Met1525Val). This variant is present in population databases (rs373085099, gnomAD 0.005%). This variant has not been reported in the literature in individuals affected with SCN10A-related conditions. ClinVar contains an entry for this variant (Variation ID: 657664). Invitae Evidence Modeling of protein sequence and biophysical properties (such as structural, functional, and spatial information, amino acid conservation, physicochemical variation, residue mobility, and thermodynamic stability) indicates that this missense variant is not expected to disrupt SCN10A protein function with a negative predictive value of 80%. In summary, the available evidence is currently insufficient to determine the role of this variant in disease. Therefore, it has been classified as a Variant of Uncertain Significance.

Ambry Genetics
Classification: Uncertain significance for Cardiovascular phenotype. Last evaluated: 2023-12-21. Review status: criteria provided, single submitter. Criteria: Ambry Variant Classification Scheme 2023. Collection method: clinical testing. Allele origin: germline.
Comment: The p.M1525V variant (also known as c.4573A>G), located in coding exon 26 of the SCN10A gene, results from an A to G substitution at nucleotide position 4573. The methionine at codon 1525 is replaced by valine, an amino acid with highly similar properties. This amino acid position is poorly conserved in available vertebrate species. In addition, the in silico prediction for this alteration is inconclusive. Since supporting evidence is limited at this time, the clinical significance of this alteration remains unclear.

GeneDx
Classification: Uncertain significance. Last evaluated: 2023-04-12. Review status: criteria provided, single submitter. Criteria: GeneDx Variant Classification Process June 2021. Collection method: clinical testing. Allele origin: germline. Affected: yes.
Comment: Has not been previously published as pathogenic or benign to our knowledge; Not observed at significant frequency in large population cohorts (gnomAD); In silico analysis supports that this missense variant does not alter protein structure/function